The following is an entry in ClinVar:

ClinVar aggregate classification (germline): Benign/Likely benign. Review status: criteria provided, multiple submitters, no conflicts (2 of 4 stars). 3 submissions from 3 submitters: Benign (1); Likely benign (2). Last evaluated 2026-09-16.

Conditions:
Colorectal cancer, hereditary nonpolyposis, type 7. Identifiers: Orphanet 144, MedGen C1858380, MONDO:0013725, OMIM 614385.

Allele frequency attached by ClinVar (database versions not stated): TOPMed 0.00001; gnomAD exomes below 0.00001; gnomAD 0.00003.
gnomAD v4.1: 8 of 1,614,074 alleles (0.0005%); highest among the groups gnomAD compares: Non-Finnish European, 0.00059%; no homozygotes.

Submissions (3):

Myriad Genetics, Inc.
Classification: Benign for Colorectal cancer, hereditary nonpolyposis, type 7. Last evaluated: 2026-09-16. Review status: criteria provided, single submitter. Criteria: Myriad Autosomal Dominant, Autosomal Recessive and X-Linked Classification Criteria (2023). Collection method: clinical testing. Allele origin: unknown.
Comment: This variant is considered benign. This variant is a silent/synonymous amino acid change and it is not expected to impact splicing.

Labcorp Genetics (formerly Invitae), Labcorp
Classification: Likely benign for Colorectal cancer, hereditary nonpolyposis, type 7. Last evaluated: 2025-01-12. Review status: criteria provided, single submitter. Criteria: Invitae Variant Classification Sherloc (09022015). Collection method: clinical testing. Allele origin: germline.

Ambry Genetics
Classification: Likely benign. Last evaluated: 2021-12-01. Review status: criteria provided, single submitter. Criteria: Ambry Variant Classification Scheme 2023. Collection method: clinical testing. Allele origin: germline.

NM_001040108.2(MLH3):c.471A>G (p.Val157=)

Gene: MLH3 (mutL homolog 3; minus strand). Cytogenetic location: 14q24.3.
Variant type: single nucleotide variant.
Coding change: c.471A>G on transcript NM_001040108.2 (MANE Select); coding-DNA position 471, A replaced by G.
Protein change: p.Val157=; no amino-acid change (valine 157 retained).
Molecular consequence: synonymous variant.
Genome position (GRCh38, 1-based): chr14:75,049,185, T>C on the plus strand (A>G on the coding strand, the complement: MLH3 is on the minus strand). VCF-style: chr14-75049185-T-C. GRCh37 (hg19) VCF-style: chr14-75515888-T-C.
Other names: c.471A>G, p.Val157= (NM_014381.3).
Identifiers: ClinVar variation 724808 (VCV000724808.14), dbSNP rs762169466, ClinGen allele CA487274611.
Genomic context (GRCh38, chr14:75,049,185, plus strand): 5'-AGCTTCTATTCTCTGCCTAACCTTCTCAAACTCCAGTCTAGGGTCCATGCATTTCCTCCT[T>C]ACAGGAAGCTGGTAAAATAGGTTATACACTGTTACAGTAGTCCCAGCGCTTGCTCTAGTC-3'
Protein context (NP_001035197.1, residues 147-167): TVYNLFYQLP[Val157=]RRKCMDPRLE